The following is an entry in ClinVar:

ClinVar aggregate classification (germline): Uncertain significance (1 of 4 stars; one submission).

Allele frequency attached by ClinVar (database versions not stated): gnomAD exomes below 0.00001; gnomAD 0.00001; TOPMed 0.00001.
gnomAD v4.1: 4 of 1,550,222 alleles (0.00026%); highest among the groups gnomAD compares: Non-Finnish European, 0.00035%; no homozygotes.

Submission:

Labcorp Genetics (formerly Invitae), Labcorp
Classification: Uncertain significance. Last evaluated: 2022-07-16. Review status: criteria provided, single submitter. Criteria: Invitae Variant Classification Sherloc (09022015). Collection method: clinical testing. Allele origin: germline.
Comment: This sequence change replaces glycine, which is neutral and non-polar, with valine, which is neutral and non-polar, at codon 2433 of the ZNF469 protein (p.Gly2433Val). This variant is present in population databases (no rsID available, gnomAD 0.002%). This variant has not been reported in the literature in individuals affected with ZNF469-related conditions. Algorithms developed to predict the effect of missense changes on protein structure and function (SIFT, PolyPhen-2, Align-GVGD) all suggest that this variant is likely to be tolerated. In summary, the available evidence is currently insufficient to determine the role of this variant in disease. Therefore, it has been classified as a Variant of Uncertain Significance.

NM_001367624.2(ZNF469):c.7382G>T (p.Gly2461Val)

Gene: ZNF469 (zinc finger protein 469; plus strand). Cytogenetic location: 16q24.2.
Variant type: single nucleotide variant.
Coding change: c.7382G>T on transcript NM_001367624.2 (MANE Select); coding-DNA position 7382, G replaced by T.
Protein change: p.Gly2461Val; replaces glycine 2461 with valine.
Molecular consequence: missense variant.
Genome position (GRCh38, 1-based): chr16:88,434,852, G>T. VCF-style: chr16-88434852-G-T. GRCh37 (hg19) VCF-style: chr16-88501260-G-T.
Other names: short protein forms G2461V.
Identifiers: ClinVar variation 2003823 (VCV002003823.1), dbSNP rs1279609200, ClinGen allele CA397109901.